The following is an entry in ClinVar:

ClinVar aggregate classification (germline): Uncertain significance (1 of 4 stars; one submission).

Allele frequency attached by ClinVar (database versions not stated): TOPMed below 0.00001; ExAC 0.00001; gnomAD 0.00002; 1000 Genomes Project 30x 0.00016; 1000 Genomes Project 0.00020.

Submission:

Labcorp Genetics (formerly Invitae), Labcorp
Classification: Uncertain significance. Last evaluated: 2022-06-05. Review status: criteria provided, single submitter. Criteria: Invitae Variant Classification Sherloc (09022015). Collection method: clinical testing. Allele origin: germline.
Comment: The frequency data for this variant in the population databases is considered unreliable, as metrics indicate poor data quality at this position in the gnomAD database. In summary, the available evidence is currently insufficient to determine the role of this variant in disease. Therefore, it has been classified as a Variant of Uncertain Significance. Algorithms developed to predict the effect of missense changes on protein structure and function are either unavailable or do not agree on the potential impact of this missense change (SIFT: "Deleterious"; PolyPhen-2: "Probably Damaging"; Align-GVGD: "Class C0"). This variant has not been reported in the literature in individuals affected with RARS-related conditions. This sequence change replaces arginine, which is basic and polar, with glutamine, which is neutral and polar, at codon 472 of the RARS protein (p.Arg472Gln).

NM_002887.4(RARS1):c.1415G>A (p.Arg472Gln)

Gene: RARS1 (arginyl-tRNA synthetase 1; plus strand). Cytogenetic location: 5q34.
Variant type: single nucleotide variant.
Coding change: c.1415G>A on transcript NM_002887.4 (MANE Select); coding-DNA position 1415, G replaced by A.
Protein change: p.Arg472Gln; replaces arginine 472 with glutamine.
Molecular consequence: missense variant.
Genome position (GRCh38, 1-based): chr5:168,510,649, G>A. VCF-style: chr5-168510649-G-A. GRCh37 (hg19) VCF-style: chr5-167937654-G-A.
Other names: short protein forms R472Q.
Identifiers: ClinVar variation 1942497 (VCV001942497.5), dbSNP rs200758381, ClinGen allele CA3549918.
Genomic context (GRCh38, chr5:168,510,649, plus strand): 5'-TTAAAACACGTTCGGGTGAAACAGTGCGCCTCATGGATCTTCTGGGAGAAGGACTAAAAC[G>A]ATCCATGGACAAGTTGAAGGAAAAAGAAAGAGACAAGGTAATTCAAAGCCTTATAGGCAT-3'
Protein context (NP_002878.2, residues 462-482): LMDLLGEGLK[Arg472Gln]SMDKLKEKER